The following is an entry in ClinVar:

NM_144573.4(NEXN):c.1457C>G (p.Ala486Gly)

Gene: NEXN (nexilin F-actin binding protein; plus strand). Cytogenetic location: 1p31.1.
Variant type: single nucleotide variant.
Coding change: c.1457C>G on transcript NM_144573.4 (MANE Select); coding-DNA position 1457, C replaced by G.
Protein change: p.Ala486Gly; replaces alanine 486 with glycine.
Molecular consequence: missense variant.
Genome position (GRCh38, 1-based): chr1:77,936,028, C>G. VCF-style: chr1-77936028-C-G. GRCh37 (hg19) VCF-style: chr1-78401713-C-G.
Other names: c.1265C>G, p.Ala422Gly (NM_001172309.2); short protein forms A486G, A422G.
Identifiers: ClinVar variation 47892 (VCV000047892.15), dbSNP rs397517847, ClinGen allele CA142119.

ClinVar aggregate classification (germline): Uncertain significance. Review status: criteria provided, multiple submitters, no conflicts (2 of 4 stars). 4 submissions from 4 submitters: Uncertain significance (4). Last evaluated 2023-09-13.

Conditions:
Cardiovascular phenotype. Identifiers: MedGen CN230736.
Dilated cardiomyopathy 1CC (CMD1CC). Identifiers: Orphanet 154, MedGen C2751084, MONDO:0013147, OMIM 613122.
Hypertrophic cardiomyopathy 20. Identifiers: MedGen C3151267, MONDO:0013477, OMIM 613876.

gnomAD v4.1: 4 of 1,612,710 alleles (0.00025%); highest among the groups gnomAD compares: Non-Finnish European, 0.00034%; no homozygotes.

Submissions (4):

Ambry Genetics
Classification: Uncertain significance for Cardiovascular phenotype. Last evaluated: 2023-09-13. Review status: criteria provided, single submitter. Criteria: Ambry General Variant Classification Scheme_2022. Collection method: clinical testing. Allele origin: germline.
Comment: The p.A486G variant (also known as c.1457C>G), located in coding exon 10 of the NEXN gene, results from a C to G substitution at nucleotide position 1457. The alanine at codon 486 is replaced by glycine, an amino acid with similar properties. This variant has been detected in individuals from hypertrophic cardiomyopathy cohorts (Alfares AA et al. Genet Med, 2015 Nov;17:880-8; Burstein DS et al. Pediatr Res, 2021 May;89:1470-1476). This amino acid position is well conserved in available vertebrate species. In addition, this alteration is predicted to be tolerated by in silico analysis. Since supporting evidence is limited at this time, the clinical significance of this alteration remains unclear.

GeneDx
Classification: Uncertain significance. Last evaluated: 2019-07-19. Review status: criteria provided, single submitter. Criteria: GeneDx Variant Classification Process June 2021. Collection method: clinical testing. Allele origin: germline. Affected: yes.
Comment: Has not been previously published as pathogenic or benign to our knowledge; Reported in ClinVar but additional evidence is not available (ClinVar Variant ID# 47892; Landrum et al., 2016); Not observed in large population cohorts (Lek et al., 2016); In silico analysis, which includes splice predictors and evolutionary conservation, suggests this variant may impact gene splicing. In the absence of RNA/functional studies, the actual effect of this sequence change is unknown.; This variant is associated with the following publications: (PMID: 27532257)

Laboratory for Molecular Medicine, Mass General Brigham Personalized Medicine
Classification: Uncertain significance. Last evaluated: 2019-03-13. Review status: criteria provided, single submitter. Criteria: LMM Criteria. Collection method: clinical testing. Allele origin: germline. Observed: 1 variant allele.
Comment: The p.Ala486Gly variant in NEXN has not been previously reported in individuals with cardiomyopathy and was absent from large population studies. Computational prediction tools and conservation analysis do not provide strong support for or against an impact to the protein. In summary, the clinical significance of this variant is uncertain. ACMG/AMP Criteria applied: PM2.

Labcorp Genetics (formerly Invitae), Labcorp
Classification: Uncertain significance for Dilated cardiomyopathy 1CC; Hypertrophic cardiomyopathy 20. Last evaluated: 2018-12-18. Review status: criteria provided, single submitter. Criteria: Invitae Variant Classification Sherloc (09022015). Collection method: clinical testing. Allele origin: germline.
Comment: In summary, the available evidence is currently insufficient to determine the role of this variant in disease. Therefore, it has been classified as a Variant of Uncertain Significance. Algorithms developed to predict the effect of sequence changes on RNA splicing suggest that this variant may create or strengthen a splice site, but this prediction has not been confirmed by published transcriptional studies. Algorithms developed to predict the effect of missense changes on protein structure and function are either unavailable or do not agree on the potential impact of this missense change (SIFT: "Deleterious"; PolyPhen-2: "Possibly Damaging"; Align-GVGD: "Class C0"). This variant has been observed in an individual affected with hypertrophic cardiomyopathy (PMID:¬†27532257). ClinVar contains an entry for this variant (Variation ID: 47892). This variant is not present in population databases (ExAC no frequency). This sequence change replaces alanine with glycine at codon 486 of the NEXN protein (p.Ala486Gly). The alanine residue is highly conserved and there is a small physicochemical difference between alanine and glycine.

Literature cited by the submitters: PubMed 25611685 (cited by Ambry Genetics); PubMed 27532257 (cited by Ambry Genetics); PubMed 32746448 (cited by Ambry Genetics).